The following is an entry in ClinVar:

NM_031844.3(HNRNPU):c.1126G>A (p.Glu376Lys)

Gene: HNRNPU (heterogeneous nuclear ribonucleoprotein U; minus strand). Cytogenetic location: 1q44.
Variant type: single nucleotide variant.
Coding change: c.1126G>A on transcript NM_031844.3 (MANE Select); coding-DNA position 1126, G replaced by A.
Protein change: p.Glu376Lys; replaces glutamic acid 376 with lysine.
Molecular consequence: missense variant.
Genome position (GRCh38, 1-based): chr1:244,858,833, C>T on the plus strand (G>A on the coding strand, the complement: HNRNPU is on the minus strand). VCF-style: chr1-244858833-C-T. GRCh37 (hg19) VCF-style: chr1-245022135-C-T.
Other names: c.1069G>A, p.Glu357Lys (NM_004501.3); short protein forms E357K, E376K.
Identifiers: ClinVar variation 3720912 (VCV003720912.2).
Genomic context (GRCh38, chr1:244,858,833, plus strand): 5'-AATCTTCAGTCTCACAGTTGCATGTTTTTATTCCTTTTAGAGAATACCCATAAGAAAATT[C>T]TTCTTCACCTAAGAAAATAATTAATCTTCATGAAGTAGATGTTTAAAATAGTCCAAAGAC-3'
Protein context (NP_114032.2, residues 366-386): TTSGMLLGEE[Glu376Lys]FSYGYSLKGI

ClinVar aggregate classification (germline): Uncertain significance (1 of 4 stars; one submission).

Conditions:
Developmental and epileptic encephalopathy, 54. Also called: HNRNPU-Related Neurodevelopmental Disorder; Epileptic encephalopathy, early infantile, 54. Identifiers: MedGen C4479319, MONDO:0033363, OMIM 617391.

Submission:

Labcorp Genetics (formerly Invitae), Labcorp
Classification: Uncertain significance for Developmental and epileptic encephalopathy, 54. Last evaluated: 2025-01-22. Review status: criteria provided, single submitter. Criteria: Invitae Variant Classification Sherloc (09022015). Collection method: clinical testing. Allele origin: germline.
Comment: This sequence change replaces glutamic acid, which is acidic and polar, with lysine, which is basic and polar, at codon 376 of the HNRNPU protein (p.Glu376Lys). This variant is not present in population databases (gnomAD no frequency). This variant has not been reported in the literature in individuals affected with HNRNPU-related conditions. Invitae Evidence Modeling of protein sequence and biophysical properties (such as structural, functional, and spatial information, amino acid conservation, physicochemical variation, residue mobility, and thermodynamic stability) indicates that this missense variant is not expected to disrupt HNRNPU protein function with a negative predictive value of 95%. In summary, the available evidence is currently insufficient to determine the role of this variant in disease. Therefore, it has been classified as a Variant of Uncertain Significance.